The following is an entry in ClinVar:

NM_001080449.3(DNA2):c.1101C>A (p.His367Gln)

Gene: DNA2 (DNA replication helicase/nuclease 2; minus strand). Cytogenetic location: 10q21.3.
Variant type: single nucleotide variant.
Coding change: c.1101C>A on transcript NM_001080449.3 (MANE Select); coding-DNA position 1101, C replaced by A.
Protein change: p.His367Gln; replaces histidine 367 with glutamine.
Molecular consequence: missense variant. On other transcripts: non-coding transcript variant (1).
Genome position (GRCh38, 1-based): chr10:68,445,040, G>T on the plus strand (C>A on the coding strand, the complement: DNA2 is on the minus strand). VCF-style: chr10-68445040-G-T. GRCh37 (hg19) VCF-style: chr10-70204797-G-T.
Other names: short protein forms H367Q.
Identifiers: ClinVar variation 2227755 (VCV002227755.4), dbSNP rs1360619837, ClinGen allele CA376862686.

ClinVar aggregate classification (germline): Uncertain significance. Review status: criteria provided, multiple submitters, no conflicts (2 of 4 stars). 2 submissions from 2 submitters: Uncertain significance (2). Last evaluated 2025-01-24.

Conditions:
Inborn genetic diseases. Identifiers: MedGen C0950123, MeSH D030342.

Allele frequency attached by ClinVar (database versions not stated): gnomAD 0.00001; gnomAD exomes 0.00001; TOPMed 0.00001.
gnomAD v4.1: 10 of 1,610,476 alleles (0.00062%); highest among the groups gnomAD compares: Non-Finnish European, 0.00034%; no homozygotes.

Submissions (2):

GeneDx
Classification: Uncertain significance. Last evaluated: 2025-01-24. Review status: criteria provided, single submitter. Criteria: GeneDx Variant Classification Process June 2021. Collection method: clinical testing. Allele origin: germline. Affected: yes.
Comment: Not observed at significant frequency in large population cohorts (gnomAD); In silico analysis supports that this missense variant has a deleterious effect on protein structure/function; Has not been previously published as pathogenic or benign to our knowledge

Ambry Genetics
Classification: Uncertain significance for Inborn genetic diseases. Last evaluated: 2023-08-22. Review status: criteria provided, single submitter. Criteria: Ambry Variant Classification Scheme 2023. Collection method: clinical testing. Allele origin: germline.
Comment: The c.1101C>A (p.H367Q) alteration is located in exon 8 (coding exon 8) of the DNA2 gene. This alteration results from a C to A substitution at nucleotide position 1101, causing the histidine (H) at amino acid position 367 to be replaced by a glutamine (Q). Based on data from gnomAD, the A allele has an overall frequency of <0.001% (1/246548) total alleles studied. The highest observed frequency was 0.001% (1/112266) of European (non-Finnish) alleles. This amino acid position is well conserved in available vertebrate species. This alteration is predicted to be tolerated by in silico analysis. Based on insufficient or conflicting evidence, the clinical significance of this alteration remains unclear.